The following is an entry in ClinVar:

NM_020297.4(ABCC9):c.1445A>G (p.Lys482Arg)

Gene: ABCC9 (ATP binding cassette subfamily C member 9; minus strand). Cytogenetic location: 12p12.1.
Variant type: single nucleotide variant.
Coding change: c.1445A>G on transcript NM_020297.4 (MANE Select); coding-DNA position 1445, A replaced by G.
Protein change: p.Lys482Arg; replaces lysine 482 with arginine.
Molecular consequence: missense variant.
Genome position (GRCh38, 1-based): chr12:21,908,087, T>C on the plus strand (A>G on the coding strand, the complement: ABCC9 is on the minus strand). VCF-style: chr12-21908087-T-C. GRCh37 (hg19) VCF-style: chr12-22061021-T-C.
Other names: c.1445A>G, p.Lys482Arg (NM_001377273.1, NM_005691.4); c.581A>G, p.Lys194Arg (NM_001377274.1); short protein forms K194R, K482R.
Identifiers: ClinVar variation 4745813 (VCV004745813.1).

ClinVar aggregate classification (germline): Uncertain significance (1 of 4 stars; one submission).

Conditions:
Dilated cardiomyopathy 1O (CMD1O). Also called: CARDIOMYOPATHY, DILATED, WITH VENTRICULAR TACHYCARDIA. Identifiers: Orphanet 154, MedGen C1837839, MONDO:0012062, OMIM 608569.

Submission:

Labcorp Genetics (formerly Invitae), Labcorp
Classification: Uncertain significance for Dilated cardiomyopathy 1O. Last evaluated: 2025-04-30. Review status: criteria provided, single submitter. Criteria: Invitae Variant Classification Sherloc (09022015). Collection method: clinical testing. Allele origin: germline.
Comment: This sequence change replaces lysine, which is basic and polar, with arginine, which is basic and polar, at codon 482 of the ABCC9 protein (p.Lys482Arg). This variant is not present in population databases (gnomAD no frequency). This variant has not been reported in the literature in individuals affected with ABCC9-related conditions. Invitae Evidence Modeling of protein sequence and biophysical properties (such as structural, functional, and spatial information, amino acid conservation, physicochemical variation, residue mobility, and thermodynamic stability) has been performed for this missense variant. However, the output from this modeling did not meet the statistical confidence thresholds required to predict the impact of this variant on ABCC9 protein function. In summary, the available evidence is currently insufficient to determine the role of this variant in disease. Therefore, it has been classified as a Variant of Uncertain Significance.